The following is an entry in ClinVar:

NC_000007.14:g.(?_19116693)_(19117341_?)del

Genes: TWIST1 (twist family bHLH transcription factor 1; minus strand), LOC129998021 (ATAC-STARR-seq lymphoblastoid active region 25682; plus strand). Cytogenetic location: 7p21.1.
Variant type: Deletion.
Identifiers: ClinVar variation 458685 (VCV000458685.3).

ClinVar aggregate classification (germline): Pathogenic (1 of 4 stars; one submission).

Conditions:
Saethre-Chotzen syndrome (SCS). Also called: CHOTZEN SYNDROME; ACROCEPHALY, SKULL ASYMMETRY, AND MILD SYNDACTYLY; ACS III. Identifiers: Orphanet 794, MedGen C0175699, MONDO:0007042, OMIM 101400.
TWIST1-related craniosynostosis (CRS1). Also called: CRANIOSYNOSTOSIS 1. Identifiers: Orphanet 63440, MedGen C4551902, MONDO:0007399, OMIM 123100. Inheritance: Heterogenous inheritance pattern.

Submission:

Labcorp Genetics (formerly Invitae), Labcorp
Classification: Pathogenic for TWIST1-related craniosynostosis; Saethre-Chotzen syndrome. Last evaluated: 2019-12-20. Review status: criteria provided, single submitter. Criteria: Invitae Variant Classification Sherloc (09022015). Collection method: clinical testing. Allele origin: germline.
Comment: A gross deletion of the genomic region encompassing the full coding sequence of the TWIST1 gene has been identified. The boundaries of this event are unknown as the deletion extends beyond the assayed region for this gene and therefore may encompass additional genes. Loss-of-function variants in TWIST1 are known to be pathogenic. Whole-gene deletions have been reported in individuals affected with Saethre-Chotzen syndrome (PMID: 26114524, 9792856, 22382802). For these reasons, this variant has been classified as Pathogenic.

Literature cited by the submitters: PubMed 9792856; PubMed 22382802; PubMed 26114524.